The following is an entry in ClinVar:

NM_005060.4(RORC):c.1267C>G (p.Leu423Val)

Gene: RORC (RAR related orphan receptor C; minus strand). Cytogenetic location: 1q21.3.
Variant type: single nucleotide variant.
Coding change: c.1267C>G on transcript NM_005060.4 (MANE Select); coding-DNA position 1267, C replaced by G.
Protein change: p.Leu423Val; replaces leucine 423 with valine.
Molecular consequence: missense variant.
Genome position (GRCh38, 1-based): chr1:151,812,965, G>C on the plus strand (C>G on the coding strand, the complement: RORC is on the minus strand). VCF-style: chr1-151812965-G-C. GRCh37 (hg19) VCF-style: chr1-151785441-G-C.
Other names: c.1204C>G, p.Leu402Val (NM_001001523.2); short protein forms L402V, L423V.
Identifiers: ClinVar variation 1381546 (VCV001381546.6), dbSNP rs2101655603, ClinGen allele CA342011259.

ClinVar aggregate classification (germline): Uncertain significance (1 of 4 stars; one submission).

Conditions:
Autosomal recessive mendelian susceptibility to mycobacterial diseases due to complete RORgamma receptor deficiency. Also called: Immunodeficiency 42. Identifiers: Orphanet 477857, MedGen C5567647, MONDO:0014710, OMIM 616622.

Submission:

Labcorp Genetics (formerly Invitae), Labcorp
Classification: Uncertain significance for Autosomal recessive mendelian susceptibility to mycobacterial diseases due to complete RORgamma receptor deficiency. Last evaluated: 2021-09-16. Review status: criteria provided, single submitter. Criteria: Invitae Variant Classification Sherloc (09022015). Collection method: clinical testing. Allele origin: germline.
Comment: In summary, the available evidence is currently insufficient to determine the role of this variant in disease. Therefore, it has been classified as a Variant of Uncertain Significance. Algorithms developed to predict the effect of missense changes on protein structure and function (SIFT, PolyPhen-2, Align-GVGD) all suggest that this variant is likely to be tolerated. This variant has not been reported in the literature in individuals affected with RORC-related conditions. This variant is not present in population databases (ExAC no frequency). This sequence change replaces leucine with valine at codon 423 of the RORC protein (p.Leu423Val). The leucine residue is moderately conserved and there is a small physicochemical difference between leucine and valine.